The following is an entry in ClinVar:

NM_032977.4(CASP10):c.94G>A (p.Gly32Arg)

Gene: CASP10 (caspase 10; plus strand). Cytogenetic location: 2q33.1.
Variant type: single nucleotide variant.
Coding change: c.94G>A on transcript NM_032977.4 (MANE Select); coding-DNA position 94, G replaced by A.
Protein change: p.Gly32Arg; replaces glycine 32 with arginine.
Molecular consequence: missense variant.
Genome position (GRCh38, 1-based): chr2:201,185,871, G>A. VCF-style: chr2-201185871-G-A. GRCh37 (hg19) VCF-style: chr2-202050594-G-A.
Other names: c.94G>A, p.Gly32Arg (NM_001206524.2, NM_001206542.2, NM_001230.5 and 3 more transcripts); short protein forms G32R.
Identifiers: ClinVar variation 1378449 (VCV001378449.8), dbSNP rs375838979, ClinGen allele CA63899724.
Genomic context (GRCh38, chr2:201,185,871, plus strand): 5'-TCAGATAAAAACTGTAAAGTGAGCTTTCGTGAGAAGCTTCTGATTATTGATTCAAACCTG[G>A]GGGTCCAAGATGTGGAGAACCTCAAGTTTCTCTGCATAGGATTGGTCCCCAACAAGAAGC-3'
Protein context (NP_116759.2, residues 22-42): EKLLIIDSNL[Gly32Arg]VQDVENLKFL

ClinVar aggregate classification (germline): Uncertain significance (1 of 4 stars; one submission).

Conditions:
Autoimmune lymphoproliferative syndrome type 2A (ALPS2A). Also called: CASP10-Related Autoimmune Lymphoproliferative Syndrome; AUTOIMMUNE LYMPHOPROLIFERATIVE SYNDROME, TYPE IIA; Autoimmune lymphoproliferative syndrome type 2. Identifiers: Orphanet 3261, MedGen C1858968, MONDO:0011383, OMIM 603909.

Allele frequency attached by ClinVar (database versions not stated): gnomAD exomes below 0.00001; TOPMed below 0.00001; gnomAD 0.00001.

Submission:

Labcorp Genetics (formerly Invitae), Labcorp
Classification: Uncertain significance for Autoimmune lymphoproliferative syndrome type 2A. Last evaluated: 2023-06-03. Review status: criteria provided, single submitter. Criteria: Invitae Variant Classification Sherloc (09022015). Collection method: clinical testing. Allele origin: germline.
Comment: In summary, the available evidence is currently insufficient to determine the role of this variant in disease. Therefore, it has been classified as a Variant of Uncertain Significance. This sequence change replaces glycine, which is neutral and non-polar, with arginine, which is basic and polar, at codon 32 of the CASP10 protein (p.Gly32Arg). This variant is present in population databases (rs375838979, gnomAD 0.006%). This variant has not been reported in the literature in individuals affected with CASP10-related conditions. ClinVar contains an entry for this variant (Variation ID: 1378449). Advanced modeling of protein sequence and biophysical properties (such as structural, functional, and spatial information, amino acid conservation, physicochemical variation, residue mobility, and thermodynamic stability) performed at Invitae indicates that this missense variant is not expected to disrupt CASP10 protein function.